The following is an entry in ClinVar:

ClinVar aggregate classification (germline): Uncertain significance. Review status: criteria provided, multiple submitters, no conflicts (2 of 4 stars). 2 submissions from 2 submitters: Uncertain significance (2). Last evaluated 2025-12-16.

Conditions:
Inborn genetic diseases. Identifiers: MedGen C0950123, MeSH D030342.

Allele frequency attached by ClinVar (database versions not stated): gnomAD 0.00001; gnomAD exomes 0.00001; TOPMed 0.00001.
gnomAD v4.1: 18 of 1,614,006 alleles (0.0011%); highest among the groups gnomAD compares: African/African-American, 0.0027%; no homozygotes.

Submissions (2):

Ambry Genetics
Classification: Uncertain significance for Inborn genetic diseases. Last evaluated: 2025-12-16. Review status: criteria provided, single submitter. Criteria: Ambry Variant Classification Scheme 2023. Collection method: clinical testing. Allele origin: germline.

Labcorp Genetics (formerly Invitae), Labcorp
Classification: Uncertain significance. Last evaluated: 2022-08-16. Review status: criteria provided, single submitter. Criteria: Invitae Variant Classification Sherloc (09022015). Collection method: clinical testing. Allele origin: germline.
Comment: This sequence change replaces arginine, which is basic and polar, with lysine, which is basic and polar, at codon 349 of the HPS1 protein (p.Arg349Lys). This variant is present in population databases (no rsID available, gnomAD 0.007%). This variant has not been reported in the literature in individuals affected with HPS1-related conditions. Algorithms developed to predict the effect of missense changes on protein structure and function are either unavailable or do not agree on the potential impact of this missense change (SIFT: "Tolerated"; PolyPhen-2: "Possibly Damaging"; Align-GVGD: "Class C0"). In summary, the available evidence is currently insufficient to determine the role of this variant in disease. Therefore, it has been classified as a Variant of Uncertain Significance.

NM_000195.5(HPS1):c.1046G>A (p.Arg349Lys)

Gene: HPS1 (HPS1 biogenesis of lysosomal organelles complex 3 subunit 1; minus strand). Cytogenetic location: 10q24.2.
Variant type: single nucleotide variant.
Coding change: c.1046G>A on transcript NM_000195.5 (MANE Select); coding-DNA position 1046, G replaced by A.
Protein change: p.Arg349Lys; replaces arginine 349 with lysine.
Molecular consequence: missense variant.
Genome position (GRCh38, 1-based): chr10:98,425,927, C>T on the plus strand (G>A on the coding strand, the complement: HPS1 is on the minus strand). VCF-style: chr10-98425927-C-T. GRCh37 (hg19) VCF-style: chr10-100185684-C-T.
Other names: c.74G>A, p.Arg25Lys (NM_001311345.2, NM_001322487.2, NM_001322489.2); c.1046G>A, p.Arg349Lys (NM_001322476.2, NM_001322477.2); c.947G>A, p.Arg316Lys (NM_001322478.2, NM_001322479.2); c.785G>A, p.Arg262Lys (NM_001322480.2, NM_001322481.2); c.686G>A, p.Arg229Lys (NM_001322482.2); c.677G>A, p.Arg226Lys (NM_001322483.2, NM_001322484.2); c.578G>A, p.Arg193Lys (NM_001322485.2); c.1046G>A (NM_000195.3); short protein forms R193K, R316K, R349K, R226K, R229K, R25K, R262K.
Identifiers: ClinVar variation 1932034 (VCV001932034.3), dbSNP rs1296633594, ClinGen allele CA378048440.